The following is an entry in ClinVar:

NM_030957.4(ADAMTS10):c.170C>T (p.Ser57Leu)

Gene: ADAMTS10 (ADAM metallopeptidase with thrombospondin type 1 motif 10; minus strand). Cytogenetic location: 19p13.2.
Variant type: single nucleotide variant.
Coding change: c.170C>T on transcript NM_030957.4 (MANE Select); coding-DNA position 170, C replaced by T.
Protein change: p.Ser57Leu; replaces serine 57 with leucine.
Molecular consequence: missense variant.
Genome position (GRCh38, 1-based): chr19:8,605,277, G>A on the plus strand (C>T on the coding strand, the complement: ADAMTS10 is on the minus strand). VCF-style: chr19-8605277-G-A. GRCh37 (hg19) VCF-style: chr19-8670162-G-A.
Other names: short protein forms S57L.
Identifiers: ClinVar variation 4752891 (VCV004752891.1).
Genomic context (GRCh38, chr19:8,605,277, plus strand): 5'-AAGAGGCGGGACTCGGCTGTGGCCCCCGTGCCGCGGCGCTGCCTCCGGGGAGGAGGTGGC[G>A]AGAAGGCCAGCAGTGCCCCGTTGTGGTCCACGCGGGTGGGGAAGGCGATCTCATAGCTCT-3'
Protein context (NP_112219.3, residues 47-67): VDHNGALLAF[Ser57Leu]PPPPRRQRRG

ClinVar aggregate classification (germline): Uncertain significance (1 of 4 stars; one submission).

gnomAD v4.1: 30 of 1,612,478 alleles (0.0019%); highest among the groups gnomAD compares: South Asian, 0.02%; no homozygotes.

Submission:

Labcorp Genetics (formerly Invitae), Labcorp
Classification: Uncertain significance. Last evaluated: 2025-08-18. Review status: criteria provided, single submitter. Criteria: Invitae Variant Classification Sherloc (09022015). Collection method: clinical testing. Allele origin: germline.
Comment: This sequence change replaces serine, which is neutral and polar, with leucine, which is neutral and non-polar, at codon 57 of the ADAMTS10 protein (p.Ser57Leu). This variant is present in population databases (rs550484994, gnomAD 0.03%). This variant has not been reported in the literature in individuals affected with ADAMTS10-related conditions. An algorithm developed to predict the effect of missense changes on protein structure and function (PolyPhen-2) suggests that this variant is likely to be tolerated. In summary, the available evidence is currently insufficient to determine the role of this variant in disease. Therefore, it has been classified as a Variant of Uncertain Significance.